The following is an entry in ClinVar:

ClinVar aggregate classification (germline): Uncertain significance. Review status: criteria provided, multiple submitters, no conflicts (2 of 4 stars). 2 submissions from 2 submitters: Uncertain significance (2). Last evaluated 2025-02-04.

Conditions:
Inborn genetic diseases. Identifiers: MedGen C0950123, MeSH D030342.

gnomAD v4.1: 2 of 1,612,942 alleles (0.00012%); highest among the groups gnomAD compares: Non-Finnish European, 0.00017%; no homozygotes.

Submissions (2):

Ambry Genetics
Classification: Uncertain significance for Inborn genetic diseases. Last evaluated: 2025-02-04. Review status: criteria provided, single submitter. Criteria: Ambry Variant Classification Scheme 2023. Collection method: clinical testing. Allele origin: germline.
Comment: The p.Y1227N variant (also known as c.3679T>A), located in coding exon 1 of the SAMD9 gene, results from a T to A substitution at nucleotide position 3679. The tyrosine at codon 1227 is replaced by asparagine, an amino acid with dissimilar properties. This amino acid position is conserved. In addition, this alteration is predicted to be tolerated by in silico analysis. Based on the available evidence, the clinical significance of this variant remains unclear.

Labcorp Genetics (formerly Invitae), Labcorp
Classification: Uncertain significance. Last evaluated: 2022-09-15. Review status: criteria provided, single submitter. Criteria: Invitae Variant Classification Sherloc (09022015). Collection method: clinical testing. Allele origin: germline.
Comment: This sequence change replaces tyrosine, which is neutral and polar, with asparagine, which is neutral and polar, at codon 1227 of the SAMD9 protein (p.Tyr1227Asn). This variant is present in population databases (rs373722071, gnomAD 0.0009%). This variant has not been reported in the literature in individuals affected with SAMD9-related conditions. Advanced modeling of protein sequence and biophysical properties (such as structural, functional, and spatial information, amino acid conservation, physicochemical variation, residue mobility, and thermodynamic stability) performed at Invitae indicates that this missense variant is not expected to disrupt SAMD9 protein function. In summary, the available evidence is currently insufficient to determine the role of this variant in disease. Therefore, it has been classified as a Variant of Uncertain Significance.

NM_017654.4(SAMD9):c.3679T>A (p.Tyr1227Asn)

Gene: SAMD9 (sterile alpha motif domain containing 9; minus strand). Cytogenetic location: 7q21.2.
Variant type: single nucleotide variant.
Coding change: c.3679T>A on transcript NM_017654.4 (MANE Select); coding-DNA position 3679, T replaced by A.
Protein change: p.Tyr1227Asn; replaces tyrosine 1227 with asparagine.
Molecular consequence: missense variant.
Genome position (GRCh38, 1-based): chr7:93,102,419, A>T on the plus strand (T>A on the coding strand, the complement: SAMD9 is on the minus strand). VCF-style: chr7-93102419-A-T. GRCh37 (hg19) VCF-style: chr7-92731732-A-T.
Other names: c.3679T>A, p.Tyr1227Asn (NM_001193307.2); c.3679T>A (NM_017654.3); short protein forms Y1227N.
Identifiers: ClinVar variation 1928637 (VCV001928637.3), dbSNP rs373722071, ClinGen allele CA4342661.